The following is an entry in ClinVar:

NM_006348.5(COG5):c.1179del (p.Leu392_Trp393insTer)

Gene: COG5 (component of oligomeric golgi complex 5; minus strand). Cytogenetic location: 7q22.3.
Variant type: Deletion.
Coding change: c.1179del on transcript NM_006348.5 (MANE Select); coding-DNA position 1179, one base deleted (G; older notation c.1179delG).
Protein change: p.Leu392_Trp393insTer.
Molecular consequence: nonsense.
Genome position (GRCh38, 1-based): chr7:107,298,276, C deleted on the plus strand (G on the coding strand, the reverse complement: COG5 is on the minus strand); the first of 2 consecutive C bases (chr7:107,298,276-107,298,277); deleting either gives the same sequence. VCF-style (leftmost placement, unchanged base first): chr7-107298275-TC-T. GRCh37 (hg19) VCF-style: chr7-106938720-TC-T.
Other names: c.1179del, p.Leu392_Trp393insTer (NM_001161520.2, NM_001379511.1, NM_001379512.1 and 3 more transcripts); c.609del, p.Leu202_Trp203insTer (NM_001379515.1); c.465del, p.Leu154_Trp155insTer (NM_001379516.1).
Identifiers: ClinVar variation 2010221 (VCV002010221.4), dbSNP rs1357823045, ClinGen allele CA831152773.

ClinVar aggregate classification (germline): Pathogenic (1 of 4 stars; one submission).

Conditions:
COG5-congenital disorder of glycosylation. Also called: CDG IIi; CONGENITAL DISORDER OF GLYCOSYLATION, TYPE IIi; COG5-CDG. Identifiers: Orphanet 263487, MedGen C3150876, MONDO:0013325, OMIM 613612.

Submission:

Labcorp Genetics (formerly Invitae), Labcorp
Classification: Pathogenic for COG5-congenital disorder of glycosylation. Last evaluated: 2022-06-24. Review status: criteria provided, single submitter. Criteria: Invitae Variant Classification Sherloc (09022015). Collection method: clinical testing. Allele origin: germline.
Comment: This variant is not present in population databases (gnomAD no frequency). This sequence change creates a premature translational stop signal (p.Trp424*) in the COG5 gene. It is expected to result in an absent or disrupted protein product. Loss-of-function variants in COG5 are known to be pathogenic (PMID: 23228021). For these reasons, this variant has been classified as Pathogenic. This variant has not been reported in the literature in individuals affected with COG5-related conditions.

Literature cited by the submitters: PubMed 23228021.